The following is an entry in ClinVar:

NM_000535.7(PMS2):c.515A>T (p.Glu172Val)

Gene: PMS2 (PMS1 homolog 2, mismatch repair system component; minus strand). Cytogenetic location: 7p22.1.
Variant type: single nucleotide variant.
Coding change: c.515A>T on transcript NM_000535.7 (MANE Select); coding-DNA position 515, A replaced by T.
Protein change: p.Glu172Val; replaces glutamic acid 172 with valine.
Molecular consequence: missense variant. On other transcripts: 5 prime UTR variant (2), non-coding transcript variant (1).
Genome position (GRCh38, 1-based): chr7:6,002,475, T>A on the plus strand (A>T on the coding strand, the complement: PMS2 is on the minus strand). VCF-style: chr7-6002475-T-A. GRCh37 (hg19) VCF-style: chr7-6042106-T-A.
Other names: c.110A>T, p.Glu37Val (NM_001018040.1, NM_001322003.2, NM_001322004.2 and 25 more transcripts); c.515A>T, p.Glu172Val (NM_001322006.2, NM_001322014.2, NM_001406869.1 and 8 more transcripts); c.197A>T, p.Glu66Val (NM_001322007.2, NM_001322008.2, NM_001406876.1 and 4 more transcripts); c.-370A>T (NM_001322011.2, NM_001322012.2); c.206A>T, p.Glu69Val (NM_001322015.2, NM_001406875.1, NM_001406877.1 and 6 more transcripts); c.701A>T, p.Glu234Val (NM_001406866.1); c.539A>T, p.Glu180Val (NM_001406868.1); short protein forms E172V, E180V, E66V, E234V, E37V, E69V.
Identifiers: ClinVar variation 1745707 (VCV001745707.5), dbSNP rs2536433996, ClinGen allele CA366744198.

ClinVar aggregate classification (germline): Uncertain significance. Review status: criteria provided, multiple submitters, no conflicts (2 of 4 stars). 2 submissions from 2 submitters: Uncertain significance (2). Last evaluated 2023-05-30.

Conditions:
Hereditary cancer-predisposing syndrome. Also called: Hereditary Cancer Syndrome; Neoplastic Syndromes, Hereditary; Tumor predisposition; Hereditary neoplastic syndrome. Identifiers: Orphanet 140162, MedGen C0027672, MeSH D009386, MONDO:0015356.
Hereditary nonpolyposis colorectal neoplasms. Identifiers: MedGen C0009405, MeSH D003123.

Submissions (2):

Labcorp Genetics (formerly Invitae), Labcorp
Classification: Uncertain significance for Hereditary nonpolyposis colorectal neoplasms. Last evaluated: 2023-05-30. Review status: criteria provided, single submitter. Criteria: Invitae Variant Classification Sherloc (09022015). Collection method: clinical testing. Allele origin: germline.
Comment: This sequence change replaces glutamic acid, which is acidic and polar, with valine, which is neutral and non-polar, at codon 172 of the PMS2 protein (p.Glu172Val). In summary, the available evidence is currently insufficient to determine the role of this variant in disease. Therefore, it has been classified as a Variant of Uncertain Significance. Algorithms developed to predict the effect of sequence changes on RNA splicing suggest that this variant may create or strengthen a splice site. Advanced modeling of protein sequence and biophysical properties (such as structural, functional, and spatial information, amino acid conservation, physicochemical variation, residue mobility, and thermodynamic stability) performed at Invitae indicates that this missense variant is expected to disrupt PMS2 protein function. ClinVar contains an entry for this variant (Variation ID: 1745707). This variant has not been reported in the literature in individuals affected with PMS2-related conditions. This variant is not present in population databases (gnomAD no frequency).

Ambry Genetics
Classification: Uncertain significance for Hereditary cancer-predisposing syndrome. Last evaluated: 2021-07-19. Review status: criteria provided, single submitter. Criteria: Ambry Variant Classification Scheme 2023. Collection method: clinical testing. Allele origin: germline.
Comment: The p.E172V variant (also known as c.515A>T), located in coding exon 5 of the PMS2 gene, results from an A to T substitution at nucleotide position 515. The glutamic acid at codon 172 is replaced by valine, an amino acid with dissimilar properties. This amino acid position is highly conserved in available vertebrate species. In addition, this alteration is predicted to be deleterious by in silico analysis. Since supporting evidence is limited at this time, the clinical significance of this alteration remains unclear.